The following is an entry in ClinVar:

NM_000572.3(IL10):c.378+19T>C

Genes: IL10 (interleukin 10; minus strand), IL19 (interleukin 19; plus strand). Cytogenetic location: 1q32.1.
Variant type: single nucleotide variant.
Coding change: c.378+19T>C on transcript NM_000572.3 (MANE Select); 19 bases into the intron after coding-DNA position 378, T replaced by C.
Molecular consequence: intron variant. On other transcripts: 5 prime UTR variant (1).
Genome position (GRCh38, 1-based): chr1:206,770,888, A>G on the plus strand (T>C on the coding strand, the complement: IL10 is on the minus strand). VCF-style: chr1-206770888-A-G. GRCh37 (hg19) VCF-style: chr1-206944233-A-G.
Other names: c.-339A>G (NM_153758.5); c.123+19T>C (NM_001382624.1); c.-149+58A>G (NM_001393490.1).
Identifiers: ClinVar variation 1166834 (VCV001166834.13), dbSNP rs1554286, ClinGen allele CA1363760.

ClinVar aggregate classification (germline): Benign/Likely benign. Review status: criteria provided, multiple submitters, no conflicts (2 of 4 stars). 4 submissions from 4 submitters: Benign (3); Likely benign (1). Last evaluated 2026-02-04.

Conditions:
Inflammatory bowel disease. Identifiers: Orphanet 104012, MedGen C0021390, MONDO:0005265.

Allele frequency attached by ClinVar (database versions not stated): 1000 Genomes Project 0.59185; 1000 Genomes Project 30x 0.59744; TOPMed 0.70773; ExAC 0.71694; gnomAD exomes 0.71779 and 0.78771; gnomAD 0.72299 and 0.73006; ESP Exome Variant Server 0.75088.
gnomAD v4.1: 1,258,735 of 1,612,424 alleles (78%); highest among the groups gnomAD compares: Non-Finnish European, 82%; 500,305 homozygotes.

Submissions (4):

Labcorp Genetics (formerly Invitae), Labcorp
Classification: Benign for Inflammatory bowel disease. Last evaluated: 2026-02-04. Review status: criteria provided, single submitter. Criteria: Invitae Variant Classification Sherloc (09022015). Collection method: clinical testing. Allele origin: germline.

Blueprint Genetics
Classification: Likely benign. Last evaluated: 2024-11-26. Review status: criteria provided, single submitter. Criteria: ACMG Guidelines, 2015. Collection method: clinical testing. Allele origin: germline.

Unidad de Genómica Garrahan, Hospital de Pediatría Garrahan
Classification: Benign. Last evaluated: 2023-11-12. Review status: criteria provided, single submitter. Criteria: ACMG Guidelines, 2015. Collection method: clinical testing. Allele origin: germline. Affected: no. Observed: 89 variant alleles.
Comment: This variant is classified as Benign based on local population frequency. This variant was detected in 93% of patients studied by a panel of primary immunodeficiencies. Number of patients: 89. Only high quality variants are reported.

Breakthrough Genomics
Classification: Benign. Review status: criteria provided, single submitter. Criteria: ACMG Guidelines, 2015. Collection method: not provided. Allele origin: germline. Inheritance: Unknown mechanism. Affected: yes.